The following is an entry in ClinVar:

ClinVar aggregate classification (germline): Conflicting classifications of pathogenicity. Review status: criteria provided, conflicting classifications (1 of 4 stars). 2 submissions from 2 submitters: Uncertain significance (1); Likely benign (1). Last evaluated 2025-09-24.

Conditions:
Hereditary cancer-predisposing syndrome. Also called: Neoplastic Syndromes, Hereditary; Tumor predisposition; Hereditary neoplastic syndrome; Hereditary Cancer Syndrome. Identifiers: Orphanet 140162, MedGen C0027672, MeSH D009386, MONDO:0015356.
Hereditary nonpolyposis colorectal neoplasms. Identifiers: MedGen C0009405, MeSH D003123.

Allele frequency attached by ClinVar (database versions not stated): gnomAD exomes below 0.00001; TOPMed below 0.00001; ExAC 0.00001; gnomAD 0.00001.

Submissions (2):

Labcorp Genetics (formerly Invitae), Labcorp
Classification: Likely benign for Hereditary nonpolyposis colorectal neoplasms. Last evaluated: 2025-09-24. Review status: criteria provided, single submitter. Criteria: Invitae Variant Classification Sherloc (09022015). Collection method: clinical testing. Allele origin: germline.

Ambry Genetics
Classification: Uncertain significance for Hereditary cancer-predisposing syndrome. Last evaluated: 2018-09-23. Review status: criteria provided, single submitter. Criteria: Ambry Variant Classification Scheme 2023. Collection method: clinical testing. Allele origin: germline.
Comment: The p.D1107N variant (also known as c.3319G>A), located in coding exon 5 of the MSH6 gene, results from a G to A substitution at nucleotide position 3319. The aspartic acid at codon 1107 is replaced by asparagine, an amino acid with highly similar properties. This amino acid position is well conserved in available vertebrate species. In addition, this alteration is predicted to be tolerated by in silico analysis. Since supporting evidence is limited at this time, the clinical significance of this alteration remains unclear.

NM_000179.3(MSH6):c.3319G>A (p.Asp1107Asn)

Gene: MSH6 (mutS homolog 6; plus strand). Cytogenetic location: 2p16.3.
Variant type: single nucleotide variant.
Coding change: c.3319G>A on transcript NM_000179.3 (MANE Select); coding-DNA position 3319, G replaced by A.
Protein change: p.Asp1107Asn; replaces aspartic acid 1107 with asparagine.
Molecular consequence: missense variant.
Genome position (GRCh38, 1-based): chr2:47,803,566, G>A. VCF-style: chr2-47803566-G-A. GRCh37 (hg19) VCF-style: chr2-48030705-G-A.
Other names: c.2929G>A, p.Asp977Asn (NM_001281492.2); c.2413G>A, p.Asp805Asn (NM_001281493.2, NM_001281494.2); short protein forms D805N, D1107N, D977N.
Identifiers: ClinVar variation 823573 (VCV000823573.5), dbSNP rs779415187, ClinGen allele CA070651.